The following is an entry in ClinVar:

ClinVar aggregate classification (germline): Uncertain significance (1 of 4 stars; one submission).

Allele frequency attached by ClinVar (database versions not stated): gnomAD exomes below 0.00001; TOPMed 0.00002; gnomAD 0.00003.
gnomAD v4.1: 10 of 1,612,848 alleles (0.00062%); highest among the groups gnomAD compares: African/African-American, 0.004%; no homozygotes.

Submission:

Labcorp Genetics (formerly Invitae), Labcorp
Classification: Uncertain significance. Last evaluated: 2021-03-12. Review status: criteria provided, single submitter. Criteria: Invitae Variant Classification Sherloc (09022015). Collection method: clinical testing. Allele origin: germline.
Comment: Algorithms developed to predict the effect of missense changes on protein structure and function are either unavailable or do not agree on the potential impact of this missense change (SIFT: "Tolerated"; PolyPhen-2: "Possibly Damaging"; Align-GVGD: "Class C0"). In summary, the available evidence is currently insufficient to determine the role of this variant in disease. Therefore, it has been classified as a Variant of Uncertain Significance. This variant has not been reported in the literature in individuals with LAMC3-related conditions. This sequence change replaces glutamic acid with lysine at codon 319 of the LAMC3 protein (p.Glu319Lys). The glutamic acid residue is moderately conserved and there is a small physicochemical difference between glutamic acid and lysine. This variant is not present in population databases (ExAC no frequency).

NM_006059.4(LAMC3):c.955G>A (p.Glu319Lys)

Gene: LAMC3 (laminin subunit gamma 3; plus strand). Cytogenetic location: 9q34.12.
Variant type: single nucleotide variant.
Coding change: c.955G>A on transcript NM_006059.4 (MANE Select); coding-DNA position 955, G replaced by A.
Protein change: p.Glu319Lys; replaces glutamic acid 319 with lysine.
Molecular consequence: missense variant.
Genome position (GRCh38, 1-based): chr9:131,036,311, G>A. VCF-style: chr9-131036311-G-A. GRCh37 (hg19) VCF-style: chr9-133911698-G-A.
Other names: short protein forms E319K.
Identifiers: ClinVar variation 1444047 (VCV001444047.7), dbSNP rs1006313089, ClinGen allele CA200686492.